The following is an entry in ClinVar:

NC_000017.10:g.(?_29701021)_(29701183_?)dup

Gene: NF1 (neurofibromin 1; plus strand). Cytogenetic location: 17q11.2.
Variant type: Duplication.
Identifiers: ClinVar variation 583849 (VCV000583849.3).

ClinVar aggregate classification (germline): Uncertain significance (1 of 4 stars; one submission).

Conditions:
Neurofibromatosis, type 1 (NF1). Also called: Peripheral type neurofibromatosis; VON RECKLINGHAUSEN DISEASE; NEUROFIBROMATOSIS, TYPE I, SOMATIC; Neurofibromatosis, type I. Identifiers: Orphanet 636, MedGen C0027831, MONDO:0018975, OMIM 162200. Disease mechanism: loss of function.

Submission:

Labcorp Genetics (formerly Invitae), Labcorp
Classification: Uncertain significance for Neurofibromatosis, type 1. Last evaluated: 2019-07-12. Review status: criteria provided, single submitter. Criteria: Invitae Variant Classification Sherloc (09022015). Collection method: clinical testing. Allele origin: germline.
Comment: This variant results in a copy number gain of the genomic region encompassing exon 57 of the NF1 gene. The 5' boundary is likely confined to intron 56. The 3' end of this event is unknown as it extends beyond the assayed region for this gene and therefore may encompass additional genes. As the precise location of this event is unknown, it may be in tandem or it may be located elsewhere in the genome. A copy number gain of exon 57 has not been reported in the literature in individuals with NF1-related disease. Experimental studies and prediction algorithms are not available for this variant, and the functional significance of the duplicated exon is currently unknown. In summary, the available evidence is currently insufficient to determine the role of this variant in disease. Therefore, it has been classified as a Variant of Uncertain Significance.